The following is an entry in ClinVar:

ClinVar aggregate classification (germline): Uncertain significance. Review status: criteria provided, multiple submitters, no conflicts (2 of 4 stars). 2 submissions from 2 submitters: Uncertain significance (2). Last evaluated 2026-10-11.

Conditions:
Inborn genetic diseases. Identifiers: MedGen C0950123, MeSH D030342.

Allele frequency attached by ClinVar (database versions not stated): ExAC 0.00002; gnomAD 0.00003; TOPMed 0.00002; gnomAD exomes 0.00002.
gnomAD v4.1: 36 of 1,613,874 alleles (0.0022%); highest among the groups gnomAD compares: East Asian, 0.013%; no homozygotes.

Submissions (2):

GeneDx
Classification: Uncertain significance. Last evaluated: 2026-10-11. Review status: criteria provided, single submitter. Criteria: GeneDx Variant Classification Process June 2021. Collection method: clinical testing. Allele origin: germline.
Comment: In silico analysis supports that this missense variant has a deleterious effect on protein structure/function; Has not been previously published as pathogenic or benign to our knowledge

Ambry Genetics
Classification: Uncertain significance for Inborn genetic diseases. Last evaluated: 2021-12-13. Review status: criteria provided, single submitter. Criteria: Ambry Variant Classification Scheme 2023. Collection method: clinical testing. Allele origin: germline.

NM_001372.4(DNAH9):c.2030A>G (p.Asn677Ser)

Gene: DNAH9 (dynein axonemal heavy chain 9; plus strand). Cytogenetic location: 17p12.
Variant type: single nucleotide variant.
Coding change: c.2030A>G on transcript NM_001372.4 (MANE Select); coding-DNA position 2030, A replaced by G.
Protein change: p.Asn677Ser; replaces asparagine 677 with serine.
Molecular consequence: missense variant.
Genome position (GRCh38, 1-based): chr17:11,647,131, A>G. VCF-style: chr17-11647131-A-G. GRCh37 (hg19) VCF-style: chr17-11550448-A-G.
Other names: short protein forms N677S.
Identifiers: ClinVar variation 2346737 (VCV002346737.4), dbSNP rs757868047, ClinGen allele CA8395070.